The following is an entry in ClinVar:

NM_001267550.2(TTN):c.107436G>T (p.Leu35812Phe)

Genes: TTN (titin; minus strand), TTN-AS1 (TTN antisense RNA 1; plus strand). Cytogenetic location: 2q31.2.
Variant type: single nucleotide variant.
Coding change: c.107436G>T on transcript NM_001267550.2 (MANE Select); coding-DNA position 107436, G replaced by T.
Protein change: p.Leu35812Phe; replaces leucine 35812 with phenylalanine.
Molecular consequence: missense variant.
Genome position (GRCh38, 1-based): chr2:178,527,690, C>A on the plus strand (G>T on the coding strand, the complement: TTN is on the minus strand). VCF-style: chr2-178527690-C-A. GRCh37 (hg19) VCF-style: chr2-179392417-C-A.
Other names: c.102513G>T, p.Leu34171Phe (NM_001256850.1); c.80241G>T, p.Leu26747Phe (NM_003319.4); c.99732G>T, p.Leu33244Phe (NM_133378.4); c.80616G>T, p.Leu26872Phe (NM_133432.3); c.80817G>T, p.Leu26939Phe (NM_133437.4); short protein forms L26872F, L26939F, L35812F, L26747F, L34171F, L33244F.
Identifiers: ClinVar variation 1940314 (VCV001940314.5), dbSNP rs2468251846, ClinGen allele CA349400959.
Genomic context (GRCh38, chr2:178,527,690, plus strand): 5'-GAAGGAGGCCTCCTGCTTGGAGGCAGACATTTGGACTGACTGAGACGAGAAGCTTCCTTG[C>A]AAGCTTGTGTCACCACTTGTTCTCAATACTACCTCTCTGGAAGGTTCTTCAACTAGAGCT-3'
Protein context (NP_001254479.2, residues 35802-35822): VVLRTSGDTS[Leu35812Phe]QGSFSSQSVQ

ClinVar aggregate classification (germline): Uncertain significance (1 of 4 stars; one submission).

Conditions:
Dilated cardiomyopathy 1G (CMD1G). Identifiers: Orphanet 154, MedGen C1858763, MONDO:0011400, OMIM 604145.
Autosomal recessive limb-girdle muscular dystrophy type 2J (LGMDR10). Also called: Limb-girdle muscular dystrophy, type 2J; MUSCULAR DYSTROPHY, LIMB-GIRDLE, AUTOSOMAL RECESSIVE 10. Identifiers: Orphanet 140922, MedGen C1837342, MONDO:0012127, OMIM 608807.

Submission:

Labcorp Genetics (formerly Invitae), Labcorp
Classification: Uncertain significance for Dilated cardiomyopathy 1G; Autosomal recessive limb-girdle muscular dystrophy type 2J. Last evaluated: 2023-12-14. Review status: criteria provided, single submitter. Criteria: Invitae Variant Classification Sherloc (09022015). Collection method: clinical testing. Allele origin: germline.
Comment: This sequence change replaces leucine, which is neutral and non-polar, with phenylalanine, which is neutral and non-polar, at codon 35812 of the TTN protein (p.Leu35812Phe). This variant is not present in population databases (gnomAD no frequency). This variant has not been reported in the literature in individuals affected with TTN-related conditions. ClinVar contains an entry for this variant (Variation ID: 1940314). Experimental studies and prediction algorithms are not available or were not evaluated, and the functional significance of this variant is currently unknown. This variant is located in the M band of TTN (PMID: 25589632). Non-truncating variants in this region may be relevant for neuromuscular disorders, but have not been definitively shown to cause cardiomyopathy (PMID: 23975875). In summary, the available evidence is currently insufficient to determine the role of this variant in disease. Therefore, it has been classified as a Variant of Uncertain Significance.

Literature cited by the submitters: PubMed 25589632; PubMed 23975875.